The following is an entry in ClinVar:

NM_001848.3(COL6A1):c.645G>A (p.Ala215=)

Gene: COL6A1 (collagen type VI alpha 1 chain; plus strand). Cytogenetic location: 21q22.3.
Variant type: single nucleotide variant.
Coding change: c.645G>A on transcript NM_001848.3 (MANE Select); coding-DNA position 645, G replaced by A.
Protein change: p.Ala215=; no amino-acid change (alanine 215 retained).
Molecular consequence: synonymous variant.
Genome position (GRCh38, 1-based): chr21:45,987,000, G>A. VCF-style: chr21-45987000-G-A. GRCh37 (hg19) VCF-style: chr21-47406914-G-A.
Other names: p.Ala215=.
Identifiers: ClinVar variation 93883 (VCV000093883.32), dbSNP rs115292913, ClinGen allele CA147413.

ClinVar aggregate classification (germline): Benign/Likely benign. Review status: criteria provided, multiple submitters, no conflicts (2 of 4 stars). 8 submissions from 8 submitters: Benign (4); Likely benign (2). 2 of the submissions do not count toward it. Last evaluated 2026-01-28.

Conditions:
COL6A1-related disorder. Also called: COL6A1-related condition.
Collagen 6-related myopathy. Identifiers: MedGen CN117976, MONDO:0100225.
Bethlem myopathy 1A. Also called: Bethlem myopathy 1; Bethlem Muscular Dystrophy; MYOPATHY, BENIGN CONGENITAL, WITH CONTRACTURES. Identifiers: Orphanet 610, MedGen CN029274, MONDO:0024530, OMIM 158810.

Allele frequency attached by ClinVar (database versions not stated): ExAC 0.00616; TOPMed 0.01136; gnomAD exomes 0.00253 and 0.00099; gnomAD 0.01028 and 0.01120; ESP Exome Variant Server 0.01125; 1000 Genomes Project 0.00919; 1000 Genomes Project 30x 0.00984.
gnomAD v4.1: 3,005 of 1,551,210 alleles (0.19%); highest among the groups gnomAD compares: African/African-American, 3.6%; 45 homozygotes.

Submissions (8):

Labcorp Genetics (formerly Invitae), Labcorp
Classification: Benign for Bethlem myopathy 1A. Last evaluated: 2026-01-28. Review status: criteria provided, single submitter. Criteria: Invitae Variant Classification Sherloc (09022015). Collection method: clinical testing. Allele origin: germline.

Mayo Clinic Laboratories, Mayo Clinic
Classification: Benign. Last evaluated: 2020-02-03. Review status: criteria provided, single submitter. Criteria: ACMG Guidelines, 2015. Collection method: clinical testing. Allele origin: germline. Observed: 5 variant alleles.

Illumina Laboratory Services, Illumina
Classification: Likely benign for Collagen VI-related myopathy. Last evaluated: 2017-04-27. Review status: criteria provided, single submitter. Criteria: ICSL Variant Classification Criteria 13 December 2019. Collection method: clinical testing. Allele origin: germline.
Comment: This variant was observed as part of a predisposition screen in an ostensibly healthy population. A literature search was performed for the gene, cDNA change, and amino acid change (where applicable). No publications were found based on this search. Allele frequency data from public databases allowed determination this variant is unlikely to cause disease. Therefore, this variant is classified as likely benign.

GeneDx
Classification: Benign. Last evaluated: 2016-08-02. Review status: criteria provided, single submitter. Criteria: GeneDx Variant Classification (06012015). Collection method: clinical testing. Allele origin: germline. Affected: yes.
Comment: This variant is considered likely benign or benign based on one or more of the following criteria: it is a conservative change, it occurs at a poorly conserved position in the protein, it is predicted to be benign by multiple in silico algorithms, and/or has population frequency not consistent with disease.

Eurofins Ntd Llc (ga)
Classification: Benign. Last evaluated: 2012-08-28. Review status: criteria provided, single submitter. Criteria: EGL Classification Definitions 2015. Collection method: clinical testing. Allele origin: germline. Observed: 2 variant alleles, 2 heterozygotes.

Breakthrough Genomics
Classification: Likely benign. Review status: criteria provided, single submitter. Criteria: ACMG Guidelines, 2015. Collection method: not provided. Allele origin: germline. Inheritance: Autosomal recessive inheritance. Affected: yes.

PreventionGenetics, part of Exact Sciences
Classification: Benign for COL6A1-related condition. Last evaluated: 2019-06-14. Review status: no assertion criteria provided. Collection method: clinical testing. Allele origin: germline. Not counted in ClinVar's aggregate classification.
Comment: This variant is classified as benign based on ACMG/AMP sequence variant interpretation guidelines (Richards et al. 2015 PMID: 25741868, with internal and published modifications).

Genetic Services Laboratory, University of Chicago
Classification: Likely benign for AllHighlyPenetrant. Review status: no assertion criteria provided. Collection method: clinical testing. Allele origin: germline. Not counted in ClinVar's aggregate classification.
Comment: Likely benign based on allele frequency in 1000 Genomes Project or ESP global frequency and its presence in a patient with a rare or unrelated disease phenotype. NOT Sanger confirmed.